The following is an entry in ClinVar:

NM_001111.5(ADAR):c.2086G>A (p.Gly696Ser)

Gene: ADAR (adenosine deaminase RNA specific; minus strand). Cytogenetic location: 1q21.3.
Variant type: single nucleotide variant.
Coding change: c.2086G>A on transcript NM_001111.5 (MANE Select); coding-DNA position 2086, G replaced by A.
Protein change: p.Gly696Ser; replaces glycine 696 with serine.
Molecular consequence: missense variant. On other transcripts: intron variant (1).
Genome position (GRCh38, 1-based): chr1:154,596,989, C>T on the plus strand (G>A on the coding strand, the complement: ADAR is on the minus strand). VCF-style: chr1-154596989-C-T. GRCh37 (hg19) VCF-style: chr1-154569465-C-T.
Other names: c.1201G>A, p.Gly401Ser (NM_001025107.3, NM_001193495.2, NM_001365046.1 and 3 more transcripts); c.2113G>A, p.Gly705Ser (NM_001365045.1); c.2086G>A, p.Gly696Ser (NM_015840.4); c.2080-51G>A (NM_015841.4); short protein forms G401S, G705S, G696S.
Identifiers: ClinVar variation 2111915 (VCV002111915.4), dbSNP rs1410118769, ClinGen allele CA342638049.

ClinVar aggregate classification (germline): Uncertain significance (1 of 4 stars; one submission).

Conditions:
Symmetrical dyschromatosis of extremities (DSH). Also called: DYSCHROMATOSIS SYMMETRICA HEREDITARIA 1; SYMMETRIC DYSCHROMATOSIS OF THE EXTREMITIES; Dyschromatosis symmetrica hereditaria; RETICULATE ACROPIGMENTATION OF DOHI. Identifiers: Orphanet 41, MedGen C0406775, MONDO:0007483, OMIM 127400.
Aicardi-Goutieres syndrome 6 (AGS6). Identifiers: Orphanet 51, MedGen C3539013, MONDO:0014007, OMIM 615010.

Allele frequency attached by ClinVar (database versions not stated): gnomAD exomes below 0.00001.

Submission:

Labcorp Genetics (formerly Invitae), Labcorp
Classification: Uncertain significance for Aicardi-Goutieres syndrome 6; Symmetrical dyschromatosis of extremities. Last evaluated: 2022-05-07. Review status: criteria provided, single submitter. Criteria: Invitae Variant Classification Sherloc (09022015). Collection method: clinical testing. Allele origin: germline.
Comment: In summary, the available evidence is currently insufficient to determine the role of this variant in disease. Therefore, it has been classified as a Variant of Uncertain Significance. Algorithms developed to predict the effect of missense changes on protein structure and function output the following: SIFT: "Tolerated"; PolyPhen-2: "Benign"; Align-GVGD: "Class C0". The serine amino acid residue is found in multiple mammalian species, which suggests that this missense change does not adversely affect protein function. This variant has not been reported in the literature in individuals affected with ADAR-related conditions. This variant is present in population databases (no rsID available, gnomAD 0.004%). This sequence change replaces glycine, which is neutral and non-polar, with serine, which is neutral and polar, at codon 696 of the ADAR protein (p.Gly696Ser).